The following is an entry in ClinVar:

NM_016151.4(TAOK2):c.3236G>A (p.Arg1079Gln)

Gene: TAOK2 (TAO kinase 2; plus strand). Cytogenetic location: 16p11.2.
Variant type: single nucleotide variant.
Coding change: c.3236G>A on transcript NM_016151.4 (MANE Select); coding-DNA position 3236, G replaced by A.
Protein change: p.Arg1079Gln; replaces arginine 1079 with glutamine.
Molecular consequence: missense variant. On other transcripts: intron variant (1).
Genome position (GRCh38, 1-based): chr16:29,987,508, G>A. VCF-style: chr16-29987508-G-A. GRCh37 (hg19) VCF-style: chr16-29998829-G-A.
Other names: c.2897G>A, p.Arg966Gln (NM_001252043.2); c.2232+1004G>A (NM_004783.4); short protein forms R966Q, R1079Q.
Identifiers: ClinVar variation 3713725 (VCV003713725.2).
Genomic context (GRCh38, chr16:29,987,508, plus strand): 5'-CTCTGGTGGCTATGGCAGCGGGGGGCAGATGGGTGCGGCAGCAGGGCCCCCGGGTGCGCC[G>A]GGGCATATCTCGACTCTGGTTGCGGGTTCTGCTGCGCCTGTCACCCATGGCCTTCCGGGC-3'
Protein context (NP_057235.2, residues 1069-1089): WVRQQGPRVR[Arg1079Gln]GISRLWLRVL

ClinVar aggregate classification (germline): Uncertain significance (1 of 4 stars; one submission).

gnomAD v4.1: 26 of 1,603,874 alleles (0.0016%); highest among the groups gnomAD compares: Admixed American, 0.0068%; no homozygotes.

Submission:

Labcorp Genetics (formerly Invitae), Labcorp
Classification: Uncertain significance. Last evaluated: 2025-08-29. Review status: criteria provided, single submitter. Criteria: Invitae Variant Classification Sherloc (09022015). Collection method: clinical testing. Allele origin: germline.
Comment: This sequence change replaces arginine, which is basic and polar, with glutamine, which is neutral and polar, at codon 1079 of the TAOK2 protein (p.Arg1079Gln). This variant is present in population databases (rs757599173, gnomAD 0.01%). This variant has not been reported in the literature in individuals affected with TAOK2-related conditions. ClinVar contains an entry for this variant (Variation ID: 3713725). An algorithm developed to predict the effect of missense changes on protein structure and function outputs the following: PolyPhen-2: "Benign". The glutamine amino acid residue is found in multiple mammalian species, which suggests that this missense change does not adversely affect protein function. In summary, the available evidence is currently insufficient to determine the role of this variant in disease. Therefore, it has been classified as a Variant of Uncertain Significance.